The following is an entry in ClinVar:

ClinVar aggregate classification (germline): Uncertain significance (1 of 4 stars; one submission).

Allele frequency attached by ClinVar (database versions not stated): TOPMed below 0.00001; gnomAD 0.00001.
gnomAD v4.1: 2 of 1,613,938 alleles (0.00012%); highest among the groups gnomAD compares: Non-Finnish European, 0.00017%; no homozygotes.

Submission:

Ambry Genetics
Classification: Uncertain significance. Last evaluated: 2021-04-09. Review status: criteria provided, single submitter. Criteria: Ambry Variant Classification Scheme 2023. Collection method: clinical testing. Allele origin: germline.
Comment: The c.947G>A (p.C316Y) alteration is located in coding exon 9 of the NARS1 gene. This alteration results from a G to A substitution at nucleotide position 947, causing the cysteine (C) at amino acid position 316 to be replaced by a tyrosine (Y). Based on data from the Genome Aggregation Database (gnomAD), the NARS1 c.947G>A alteration was not observed, with coverage at this position. The p.C316 amino acid is conserved in available vertebrate species. The p.C316Y alteration is predicted to be deleterious by in silico analysis. Based on insufficient or conflicting evidence, the clinical significance of this alteration remains unclear.

NM_004539.4(NARS1):c.947G>A (p.Cys316Tyr)

Gene: NARS1 (asparaginyl-tRNA synthetase 1; minus strand). Cytogenetic location: 18q21.31.
Variant type: single nucleotide variant.
Coding change: c.947G>A on transcript NM_004539.4 (MANE Select); coding-DNA position 947, G replaced by A.
Protein change: p.Cys316Tyr; replaces cysteine 316 with tyrosine.
Molecular consequence: missense variant.
Genome position (GRCh38, 1-based): chr18:57,607,188, C>T on the plus strand (G>A on the coding strand, the complement: NARS1 is on the minus strand). VCF-style: chr18-57607188-C-T. GRCh37 (hg19) VCF-style: chr18-55274420-C-T.
Other names: short protein forms C316Y.
Identifiers: ClinVar variation 3175709 (VCV003175709.1), dbSNP rs2051565336, ClinGen allele CA402547190.